The following is an entry in ClinVar:

NC_000002.11:g.(?_15427177)_(15629166_?)del

Gene: NBAS (NBAS subunit of NRZ tethering complex; minus strand). Cytogenetic location: 2p24.3.
Variant type: Deletion.
Identifiers: ClinVar variation 3247555 (VCV003247555.1).

ClinVar aggregate classification (germline): Pathogenic (1 of 4 stars; one submission).

Submission:

Labcorp Genetics (formerly Invitae), Labcorp
Classification: Pathogenic. Last evaluated: 2023-07-31. Review status: criteria provided, single submitter. Criteria: Invitae Variant Classification Sherloc (09022015). Collection method: clinical testing. Allele origin: unknown.
Comment: For these reasons, this variant has been classified as Pathogenic. This variant has not been reported in the literature in individuals affected with NBAS-related conditions. This variant is a gross deletion of the genomic region encompassing exon(s) 12-42 of the NBAS gene. This deletion is out-of-frame, and is expected to create a premature termination codon and result in an absent or disrupted protein product. Loss-of-function variants in NBAS are known to be pathogenic (PMID: 26073778, 26541327, 27789416, 28031453).

Literature cited by the submitters: PubMed 26073778; PubMed 26541327; PubMed 27789416; PubMed 28031453.